The following is an entry in ClinVar:

ClinVar aggregate classification (germline): Likely pathogenic (1 of 4 stars; one submission).

Conditions:
Autosomal recessive limb-girdle muscular dystrophy type 2D (LGMDR3). Also called: ADHALINOPATHY, PRIMARY; DUCHENNE-LIKE AUTOSOMAL RECESSIVE MUSCULAR DYSTROPHY, TYPE 2; MUSCULAR DYSTROPHY, LIMB-GIRDLE, AUTOSOMAL RECESSIVE 3. Identifiers: Orphanet 62, MedGen C2936332, MONDO:0011968, OMIM 608099. Disease mechanism: Affects gamma-sarcoglycan and also disrupts the integrity of the entire sarcoglycan complex..

Submission:

Natera, Inc.
Classification: Likely pathogenic for Limb-girdle muscular dystrophy type 2D. Last evaluated: 2024-05-21. Review status: criteria provided, single submitter. Criteria: Natera Variant Classification Schema (03/2026). Collection method: clinical testing. Allele origin: germline.
Comment: The c.350delGinsAGCTTTGATACCA variant in SGCA is a deletion-insertion (delins) variant predicted to replace one or more nucleotides with a different sequence. This variant is expected to result in nonsense mediated decay, truncation, or a dysfunctional protein product. This variant is rare in the general population with a frequency below the threshold expected for the associated phenotype(s). Given the available evidence, this variant is classified as Likely Pathogenic.

NM_000023.4(SGCA):c.350delinsAGCTTTGATACCA (p.Arg117delinsGlnLeuTer)

Gene: SGCA (sarcoglycan alpha; plus strand). Cytogenetic location: 17q21.33.
Variant type: Indel.
Coding change: c.350delinsAGCTTTGATACCA on transcript NM_000023.4 (MANE Select); coding-DNA position 350, G replaced by AGCTTTGATACCA.
Protein change: p.Arg117delinsGlnLeuTer.
Molecular consequence: nonsense. On other transcripts: non-coding transcript variant (1).
Genome position (GRCh38, 1-based): chr17:50,167,984, G replaced by AGCTTTGATACCA. VCF-style: chr17-50167984-G-AGCTTTGATACCA. GRCh37 (hg19) VCF-style: chr17-48245345-G-AGCTTTGATACCA.
Other names: c.350delinsAGCTTTGATACCA, p.Arg117delinsGlnLeuTer (NM_001135697.3).
Identifiers: ClinVar variation 4817845 (VCV004817845.1).